The following is an entry in ClinVar:

NM_153682.3(PIGP):c.381C>T (p.Ala127=)

Gene: PIGP (phosphatidylinositol glycan anchor biosynthesis class P; minus strand). Cytogenetic location: 21q22.13.
Variant type: single nucleotide variant.
Coding change: c.381C>T on transcript NM_153682.3 (MANE Select); coding-DNA position 381, C replaced by T.
Protein change: p.Ala127=; no amino-acid change (alanine 127 retained).
Molecular consequence: synonymous variant.
Genome position (GRCh38, 1-based): chr21:37,065,606, G>A on the plus strand (C>T on the coding strand, the complement: PIGP is on the minus strand). VCF-style: chr21-37065606-G-A. GRCh37 (hg19) VCF-style: chr21-38437906-G-A.
Other names: c.381C>T (NM_153682.2); c.381C>T, p.Ala127= (NM_001320480.2); c.303C>T, p.Ala101= (NM_016430.4); c.453C>T, p.Ala151= (NM_153681.2).
Identifiers: ClinVar variation 1559960 (VCV001559960.33), dbSNP rs147363513, ClinGen allele CA10021020.

ClinVar aggregate classification (germline): Likely benign. Review status: criteria provided, multiple submitters, no conflicts (2 of 4 stars). 4 submissions from 4 submitters: Likely benign (4). Last evaluated 2026-01-17.

Conditions:
PIGP-related disorder. Also called: PIGP-related condition.

Allele frequency attached by ClinVar (database versions not stated): 1000 Genomes Project 30x 0.00016; 1000 Genomes Project 0.00020; gnomAD exomes 0.00044 and 0.00096; ExAC 0.00046; TOPMed 0.00051; gnomAD 0.00056 and 0.00059; ESP Exome Variant Server 0.00062.
gnomAD v4.1: 1,443 of 1,612,792 alleles (0.089%); highest among the groups gnomAD compares: Non-Finnish European, 0.12%; 3 homozygotes.

Submissions (4):

Labcorp Genetics (formerly Invitae), Labcorp
Classification: Likely benign. Last evaluated: 2026-01-17. Review status: criteria provided, single submitter. Criteria: Invitae Variant Classification Sherloc (09022015). Collection method: clinical testing. Allele origin: germline.

PreventionGenetics, part of Exact Sciences
Classification: Likely benign for PIGP-related condition. Last evaluated: 2025-10-06. Review status: criteria provided, single submitter. Criteria: ACMG Guidelines, 2015. Collection method: clinical testing. Allele origin: germline.
Comment: This variant is classified as likely benign based on ACMG/AMP sequence variant interpretation guidelines (Richards et al. 2015 PMID: 25741868, with internal and published modifications).

CeGaT Center for Human Genetics Tuebingen
Classification: Likely benign. Last evaluated: 2025-04-01. Review status: criteria provided, single submitter. Criteria: CeGaT Center For Human Genetics Tuebingen Variant Classification Criteria Version 2. Collection method: clinical testing. Allele origin: germline. Affected: yes. Observed: 3 variant alleles.
Comment: PIGP: BP4, BP7

Blueprint Genetics
Classification: Likely benign. Last evaluated: 2024-10-24. Review status: criteria provided, single submitter. Criteria: ACMG Guidelines, 2015. Collection method: clinical testing. Allele origin: germline.